The following is an entry in ClinVar:

NM_000368.5(TSC1):c.1304A>G (p.Gln435Arg)

Gene: TSC1 (TSC complex subunit 1; minus strand). Cytogenetic location: 9q34.13.
Variant type: single nucleotide variant.
Coding change: c.1304A>G on transcript NM_000368.5 (MANE Select); coding-DNA position 1304, A replaced by G.
Protein change: p.Gln435Arg; replaces glutamine 435 with arginine.
Molecular consequence: missense variant.
Genome position (GRCh38, 1-based): chr9:132,907,330, T>C on the plus strand (A>G on the coding strand, the complement: TSC1 is on the minus strand). VCF-style: chr9-132907330-T-C. GRCh37 (hg19) VCF-style: chr9-135782717-T-C.
Other names: c.1301A>G, p.Gln434Arg (NM_001162426.2); c.1151A>G, p.Gln384Arg (NM_001162427.2); c.941A>G, p.Gln314Arg (NM_001362177.2); short protein forms Q314R, Q384R, Q434R, Q435R.
Identifiers: ClinVar variation 1346235 (VCV001346235.7), dbSNP rs2131880323, ClinGen allele CA375366139.

ClinVar aggregate classification (germline): Uncertain significance. Review status: criteria provided, multiple submitters, no conflicts (2 of 4 stars). 2 submissions from 2 submitters: Uncertain significance (2). Last evaluated 2023-07-10.

Conditions:
Tuberous sclerosis syndrome (TSC). Also called: Tuberous Sclerosis Complex; Tuberous sclerosis. Identifiers: Orphanet 805, MedGen C0041341, MONDO:0001734.
Tuberous sclerosis 1 (TSC1). Identifiers: Orphanet 805, MedGen C1854465, MONDO:0008612, OMIM 191100.

Submissions (2):

Labcorp Genetics (formerly Invitae), Labcorp
Classification: Uncertain significance for Tuberous sclerosis 1. Last evaluated: 2023-07-10. Review status: criteria provided, single submitter. Criteria: Invitae Variant Classification Sherloc (09022015). Collection method: clinical testing. Allele origin: germline.
Comment: This variant is not present in population databases (gnomAD no frequency). In summary, the available evidence is currently insufficient to determine the role of this variant in disease. Therefore, it has been classified as a Variant of Uncertain Significance. Advanced modeling of protein sequence and biophysical properties (such as structural, functional, and spatial information, amino acid conservation, physicochemical variation, residue mobility, and thermodynamic stability) performed at Invitae indicates that this missense variant is not expected to disrupt TSC1 protein function. ClinVar contains an entry for this variant (Variation ID: 1346235). This variant has not been reported in the literature in individuals affected with TSC1-related conditions. This sequence change replaces glutamine, which is neutral and polar, with arginine, which is basic and polar, at codon 435 of the TSC1 protein (p.Gln435Arg).

All of Us Research Program, National Institutes of Health
Classification: Uncertain significance for Tuberous sclerosis syndrome. Last evaluated: 2023-03-04. Review status: criteria provided, single submitter. Criteria: ACMG Guidelines, 2015. Collection method: clinical testing. Allele origin: germline. Inheritance: Autosomal dominant inheritance. Observed: 1 variant allele, 1 heterozygote.
Comment: This study involves interpretation of variants in research participants for the purpose of population health screening. Participant phenotype was not available at the time of variant classification. Additional details can be found in publication PMID: 35346344, PMCID: PMC8962531